The following is an entry in ClinVar:

ClinVar aggregate classification (germline): Uncertain significance (1 of 4 stars; one submission).

Conditions:
Saethre-Chotzen syndrome (SCS). Also called: ACROCEPHALY, SKULL ASYMMETRY, AND MILD SYNDACTYLY; ACS III; CHOTZEN SYNDROME. Identifiers: Orphanet 794, MedGen C0175699, MONDO:0007042, OMIM 101400.
TWIST1-related craniosynostosis (CRS1). Also called: CRANIOSYNOSTOSIS 1. Identifiers: Orphanet 63440, MedGen C4551902, MONDO:0007399, OMIM 123100. Inheritance: Heterogenous inheritance pattern.

Submission:

Labcorp Genetics (formerly Invitae), Labcorp
Classification: Uncertain significance for TWIST1-related craniosynostosis; Saethre-Chotzen syndrome. Last evaluated: 2024-06-24. Review status: criteria provided, single submitter. Criteria: Invitae Variant Classification Sherloc (09022015). Collection method: clinical testing. Allele origin: germline.
Comment: This sequence change replaces glycine, which is neutral and non-polar, with arginine, which is basic and polar, at codon 32 of the TWIST1 protein (p.Gly32Arg). This variant is not present in population databases (gnomAD no frequency). This variant has not been reported in the literature in individuals affected with TWIST1-related conditions. ClinVar contains an entry for this variant (Variation ID: 2095663). Experimental studies and prediction algorithms are not available or were not evaluated, and the functional significance of this variant is currently unknown. In summary, the available evidence is currently insufficient to determine the role of this variant in disease. Therefore, it has been classified as a Variant of Uncertain Significance.

NM_000474.4(TWIST1):c.94G>C (p.Gly32Arg)

Gene: TWIST1 (twist family bHLH transcription factor 1; minus strand). Cytogenetic location: 7p21.1.
Variant type: single nucleotide variant.
Coding change: c.94G>C on transcript NM_000474.4 (MANE Select); coding-DNA position 94, G replaced by C.
Protein change: p.Gly32Arg; replaces glycine 32 with arginine.
Molecular consequence: missense variant. On other transcripts: non-coding transcript variant (1).
Genome position (GRCh38, 1-based): chr7:19,117,228, C>G on the plus strand (G>C on the coding strand, the complement: TWIST1 is on the minus strand). VCF-style: chr7-19117228-C-G. GRCh37 (hg19) VCF-style: chr7-19156851-C-G.
Other names: short protein forms G32R.
Identifiers: ClinVar variation 2095663 (VCV002095663.4), dbSNP rs878852992, ClinGen allele CA367016154.
Genomic context (GRCh38, chr7:19,117,228, plus strand): 5'-GCCCCGCGCCGCCGCCCGCGCTGCGCCTGCTGCTGCGCCGCTTGCGTCCCCCGCGCTTGC[C>G]GCTCGGCGGCTGCTGCCGGTCTGGCTCTTCCTCGCTGTTGCTCAGGCTGTCGTCGGCCGG-3'
Protein context (NP_000465.1, residues 22-42): EEPDRQQPPS[Gly32Arg]KRGGRKRRSS